The following is an entry in ClinVar:

NM_001101.5(ACTB):c.440G>A (p.Arg147His)

Gene: ACTB (actin beta; minus strand). Cytogenetic location: 7p22.1.
Variant type: single nucleotide variant.
Coding change: c.440G>A on transcript NM_001101.5 (MANE Select); coding-DNA position 440, G replaced by A.
Protein change: p.Arg147His; replaces arginine 147 with histidine.
Molecular consequence: missense variant.
Genome position (GRCh38, 1-based): chr7:5,528,643, C>T on the plus strand (G>A on the coding strand, the complement: ACTB is on the minus strand). VCF-style: chr7-5528643-C-T. GRCh37 (hg19) VCF-style: chr7-5568274-C-T.
Other names: short protein forms R147H.
Identifiers: ClinVar variation 2693728 (VCV002693728.3), dbSNP rs2533847883, ClinGen allele CA366703657.

ClinVar aggregate classification (germline): Uncertain significance (1 of 4 stars; one submission).

Conditions:
Baraitser-Winter syndrome 1 (BRWS1). Also called: Cerebrofrontofacial syndrome; PACHYGYRIA, MENTAL RETARDATION, EPILEPSY, AND CHARACTERISTIC FACIES; MENTAL RETARDATION WITH EPILEPSY AND CHARACTERISTIC FACIES; BARAITSER-WINTER SYNDROME 1, ATYPICAL. Identifiers: Orphanet 2649, Orphanet 2995, MedGen C1855722, MONDO:0009470, OMIM 243310.

Allele frequency attached by ClinVar (database versions not stated): gnomAD exomes below 0.00001.

Submission:

Labcorp Genetics (formerly Invitae), Labcorp
Classification: Uncertain significance for Baraitser-Winter syndrome 1. Last evaluated: 2025-11-19. Review status: criteria provided, single submitter. Criteria: Invitae Variant Classification Sherloc (09022015). Collection method: clinical testing. Allele origin: germline.
Comment: This sequence change replaces arginine, which is basic and polar, with histidine, which is basic and polar, at codon 147 of the ACTB protein (p.Arg147His). This variant is not present in population databases (gnomAD no frequency). This variant has not been reported in the literature in individuals affected with ACTB-related conditions. ClinVar contains an entry for this variant (Variation ID: 2693728). Invitae Evidence Modeling of protein sequence and biophysical properties (such as structural, functional, and spatial information, amino acid conservation, physicochemical variation, residue mobility, and thermodynamic stability) indicates that this missense variant is not expected to disrupt ACTB protein function with a negative predictive value of 80%. In summary, the available evidence is currently insufficient to determine the role of this variant in disease. Therefore, it has been classified as a Variant of Uncertain Significance.